The following is an entry in ClinVar:

NM_002473.6(MYH9):c.1729-88T>C

Gene: MYH9 (myosin heavy chain 9; minus strand). Cytogenetic location: 22q12.3.
Variant type: single nucleotide variant.
Coding change: c.1729-88T>C on transcript NM_002473.6 (MANE Select); 88 bases into the intron before coding-DNA position 1729, T replaced by C.
Molecular consequence: intron variant.
Genome position (GRCh38, 1-based): chr22:36,309,484, A>G on the plus strand (T>C on the coding strand, the complement: MYH9 is on the minus strand). VCF-style: chr22-36309484-A-G. GRCh37 (hg19) VCF-style: chr22-36705529-A-G.
Identifiers: ClinVar variation 1286206 (VCV001286206.4), dbSNP rs1557529, ClinGen allele CA14967833.

ClinVar aggregate classification (germline): Benign. Review status: criteria provided, multiple submitters, no conflicts (2 of 4 stars). 3 submissions from 3 submitters: Benign (3). Last evaluated 2024-07-15.

Allele frequency attached by ClinVar (database versions not stated): 1000 Genomes Project 30x 0.86071; TOPMed 0.86896; gnomAD 0.87046 and 0.87808; 1000 Genomes Project 0.87081; gnomAD exomes 0.96504.
gnomAD v4.1: 914,380 of 961,442 alleles (95%); highest among the groups gnomAD compares: East Asian, 100%; 438,242 homozygotes.

Submissions (3):

Unidad de Genómica Garrahan, Hospital de Pediatría Garrahan
Classification: Benign. Last evaluated: 2024-07-15. Review status: criteria provided, single submitter. Criteria: ACMG Guidelines, 2015. Collection method: clinical testing. Allele origin: germline. Affected: no. Observed: 74 variant alleles.
Comment: This variant is classified as Benign based on local population frequency. This variant was detected in 80% of patients studied in a panel designed for Epileptic and Developmental Encephalopathy and Progressive Myoclonus Epilepsy. Number of patients: 74. Only high quality variants are reported.

GeneDx
Classification: Benign. Last evaluated: 2018-06-22. Review status: criteria provided, single submitter. Criteria: GeneDx Variant Classification Process June 2021. Collection method: clinical testing. Allele origin: germline. Affected: yes.

Breakthrough Genomics
Classification: Benign. Review status: criteria provided, single submitter. Criteria: ACMG Guidelines, 2015. Collection method: not provided. Allele origin: germline. Inheritance: Autosomal dominant inheritance. Affected: yes.